The following is an entry in ClinVar:

ClinVar aggregate classification (germline): Uncertain significance (1 of 4 stars; one submission).

Conditions:
Hereditary cancer-predisposing syndrome. Also called: Neoplastic Syndromes, Hereditary; Tumor predisposition; Hereditary neoplastic syndrome; Hereditary Cancer Syndrome. Identifiers: Orphanet 140162, MedGen C0027672, MeSH D009386, MONDO:0015356.

Submission:

Ambry Genetics
Classification: Uncertain significance for Hereditary cancer-predisposing syndrome. Last evaluated: 2018-08-01. Review status: criteria provided, single submitter. Criteria: Ambry Variant Classification Scheme 2023. Collection method: clinical testing. Allele origin: germline.
Comment: The p.G21S variant (also known as c.61G>A), located in coding exon 2 of the NBN gene, results from a G to A substitution at nucleotide position 61. The glycine at codon 21 is replaced by serine, an amino acid with similar properties. This amino acid position is well conserved in available vertebrate species. In addition, this alteration is predicted to be tolerated by in silico analysis. Since supporting evidence is limited at this time, the clinical significance of this alteration remains unclear.

NM_002485.5(NBN):c.61G>A (p.Gly21Ser)

Gene: NBN (nibrin; minus strand). Cytogenetic location: 8q21.3.
Variant type: single nucleotide variant.
Coding change: c.61G>A on transcript NM_002485.5 (MANE Select); coding-DNA position 61, G replaced by A.
Protein change: p.Gly21Ser; replaces glycine 21 with serine.
Molecular consequence: missense variant. On other transcripts: 5 prime UTR variant (1).
Genome position (GRCh38, 1-based): chr8:89,982,832, C>T on the plus strand (G>A on the coding strand, the complement: NBN is on the minus strand). VCF-style: chr8-89982832-C-T. GRCh37 (hg19) VCF-style: chr8-90995060-C-T.
Other names: c.-236G>A (NM_001024688.3); short protein forms G21S.
Identifiers: ClinVar variation 826241 (VCV000826241.4), dbSNP rs1586112049, ClinGen allele CA371663608.